The following is an entry in ClinVar:

NM_015570.4(AUTS2):c.1544G>A (p.Gly515Asp)

Gene: AUTS2 (activator of transcription and developmental regulator AUTS2; plus strand). Cytogenetic location: 7q11.22.
Variant type: single nucleotide variant.
Coding change: c.1544G>A on transcript NM_015570.4 (MANE Select); coding-DNA position 1544, G replaced by A.
Protein change: p.Gly515Asp; replaces glycine 515 with aspartic acid.
Molecular consequence: missense variant.
Genome position (GRCh38, 1-based): chr7:70,766,189, G>A. VCF-style: chr7-70766189-G-A. GRCh37 (hg19) VCF-style: chr7-70231175-G-A.
Other names: c.1544G>A, p.Gly515Asp (NM_001127231.3); short protein forms G515D.
Identifiers: ClinVar variation 2657531 (VCV002657531.24), dbSNP rs1789928846, ClinGen allele CA367668801.

ClinVar aggregate classification (germline): Uncertain significance (1 of 4 stars; one submission).

Allele frequency attached by ClinVar (database versions not stated): gnomAD exomes below 0.00001.
gnomAD v4.1: 2 of 1,614,102 alleles (0.00012%); highest among the groups gnomAD compares: Non-Finnish European, 0.000085%; no homozygotes.

Submission:

CeGaT Center for Human Genetics Tuebingen
Classification: Uncertain significance. Last evaluated: 2023-04-01. Review status: criteria provided, single submitter. Criteria: CeGaT Center For Human Genetics Tuebingen Variant Classification Criteria Version 2. Collection method: clinical testing. Allele origin: germline. Affected: yes. Observed: 1 variant allele.
Comment: AUTS2: PM2, BP5